The following is an entry in ClinVar:

NM_024675.4(PALB2):c.2816T>G (p.Leu939Trp)

Gene: PALB2 (partner and localizer of BRCA2; minus strand). Cytogenetic location: 16p12.2.
Variant type: single nucleotide variant.
Coding change: c.2816T>G on transcript NM_024675.4 (MANE Select); coding-DNA position 2816, T replaced by G.
Protein change: p.Leu939Trp; replaces leucine 939 with tryptophan.
Molecular consequence: missense variant.
Genome position (GRCh38, 1-based): chr16:23,624,027, A>C on the plus strand (T>G on the coding strand, the complement: PALB2 is on the minus strand). VCF-style: chr16-23624027-A-C. GRCh37 (hg19) VCF-style: chr16-23635348-A-C.
Other names: p.L939W:TTG>TGG; short protein forms L939W.
Identifiers: ClinVar variation 126683 (VCV000126683.137), dbSNP rs45478192, ClinGen allele CA151239.

ClinVar aggregate classification (germline): Conflicting classifications of pathogenicity. Review status: criteria provided, conflicting classifications (1 of 4 stars). 38 submissions from 38 submitters: Uncertain significance (3); Benign (10); Likely benign (13). 12 of the submissions do not count toward it. Last evaluated 2026-08-01.

Conditions:
Monogenic short stature.
PALB2-related disorder. Also called: PALB2-related disorders; PALB2-related condition.
Hereditary cancer-predisposing syndrome. Also called: Neoplastic Syndromes, Hereditary; Hereditary Cancer Syndrome; Tumor predisposition; Hereditary neoplastic syndrome. Identifiers: Orphanet 140162, MedGen C0027672, MeSH D009386, MONDO:0015356.
Breast and/or ovarian cancer. Identifiers: MedGen CN221562.
Hereditary breast ovarian cancer syndrome. Also called: Hereditary breast and ovarian cancer syndrome; Breast and ovarian cancer; BRCA1- and BRCA2-Associated Hereditary Breast and Ovarian Cancer; Hereditary breast and ovarian cancer; Hereditary breast and ovarian cancer syndrome (HBOC); Hereditary breast and/or ovarian cancer syndrome. Identifiers: Orphanet 145, MedGen C0677776, MeSH D061325, MONDO:0003582. Disease mechanism: loss of function.
Fanconi anemia complementation group N. Also called: PALB2-Related Fanconi Anemia. Identifiers: Orphanet 84, MedGen C1835817, MONDO:0012565, OMIM 610832. Disease mechanism: loss of function.
Familial cancer of breast. Also called: hereditary breast carcinoma; BREAST CANCER, FAMILIAL; Hereditary breast cancer. Identifiers: Orphanet 227535, MedGen C0346153, MONDO:0016419, OMIM 114480. Disease mechanism: loss of function.
Malignant tumor of breast. Also called: Malignant breast neoplasm; Cancer breast. Identifiers: MedGen C0006142, MONDO:0007254. Disease mechanism: loss of function.

Allele frequency attached by ClinVar (database versions not stated): 1000 Genomes Project 30x 0.00078; 1000 Genomes Project 0.00080; gnomAD exomes 0.00092; ExAC 0.00097; TOPMed 0.00115; gnomAD 0.00117 and 0.00121; ESP Exome Variant Server 0.00154.
gnomAD v4.1: 2,636 of 1,597,496 alleles (0.17%); highest among the groups gnomAD compares: Non-Finnish European, 0.21%; 4 homozygotes.

Submissions 1 to 21 of 38:

CeGaT Center for Human Genetics Tuebingen
Classification: Likely benign. Last evaluated: 2026-08-01. Review status: criteria provided, single submitter. Criteria: CeGaT Center For Human Genetics Tuebingen Variant Classification Criteria Version 2. Collection method: clinical testing. Allele origin: germline. Affected: yes. Observed: 27 variant alleles.
Comment: PALB2: BP1, BS1:Supporting, BS2

Labcorp Genetics (formerly Invitae), Labcorp
Classification: Benign for Familial cancer of breast. Last evaluated: 2026-02-03. Review status: criteria provided, single submitter. Criteria: Invitae Variant Classification Sherloc (09022015). Collection method: clinical testing. Allele origin: germline.

Catlab - Consorci Sanitari de Terrassa
Classification: Benign for Hereditary cancer-predisposing syndrome. Last evaluated: 2025-10-06. Review status: criteria provided, single submitter. Criteria: ClinGen HBOP ACMG Specifications PALB2 V1.2.0. Collection method: clinical testing. Allele origin: germline.
Comment: Based on the currently available information, this variant is classified as Benign according to ClinGen-PALB2 v1.2.0 guidelines. ACMG criteria: BA1, BP1.

Quest Diagnostics Nichols Institute San Juan Capistrano
Classification: Benign. Last evaluated: 2025-09-25. Review status: criteria provided, single submitter. Criteria: Quest Diagnostics criteria. Collection method: clinical testing. Allele origin: unknown.

Mayo Clinic Laboratories, Mayo Clinic
Classification: Benign. Last evaluated: 2025-08-27. Review status: criteria provided, single submitter. Criteria: ACMG Guidelines, 2015. Collection method: clinical testing. Allele origin: germline. Observed: 3 variant alleles.
Comment: BA1, BS3_supporting, BP6

ARUP Laboratories, Molecular Genetics and Genomics, ARUP Laboratories
Classification: Likely benign. Last evaluated: 2025-06-12. Review status: criteria provided, single submitter. Criteria: ARUP Molecular Germline Variant Investigation Process 2024. Collection method: clinical testing. Allele origin: germline.

Center for Genomic Medicine, Rigshospitalet, Copenhagen University Hospital
Classification: Likely benign. Last evaluated: 2025-03-04. Review status: criteria provided, single submitter. Criteria: ACMG Guidelines, 2015. Collection method: clinical testing. Allele origin: germline.

Laboratory of Genetics, Children's Clinical University Hospital Latvia
Classification: Likely benign. Last evaluated: 2025-02-16. Review status: criteria provided, single submitter. Criteria: ACMG Guidelines, 2015. Collection method: clinical testing. Allele origin: germline. Affected: yes.

Blueprint Genetics
Classification: Likely benign. Last evaluated: 2024-11-20. Review status: criteria provided, single submitter. Criteria: ACMG Guidelines, 2015. Collection method: clinical testing. Allele origin: germline.

German Consortium for Hereditary Breast and Ovarian Cancer, University Hospital Cologne
Classification: Benign for Hereditary breast ovarian cancer syndrome. Last evaluated: 2024-08-13. Review status: criteria provided, single submitter. Criteria: ClinGen PALB2 V1.1.0. Collection method: curation. Allele origin: germline.
Comment: According to the ClinGen ACMG PALB2 v1.1.0 criteria we chose these criteria: BP1 (supporting benign): Missense variants in PALB2 where primarily truncating variants are known to cause disease., BA1 (stand-alone benign): BA1 GnomAD v2+3 non cancer Grpmax FAF NFE >0,1%

Cambridge Genomics Laboratory, East Genomic Laboratory Hub, NHS Genomic Medicine Service
Classification: Likely benign for Monogenic short stature. Last evaluated: 2024-02-06. Review status: criteria provided, single submitter. Criteria: ACGS Best Practice Guidelines for Variant Classification in Rare Disease 2020. Collection method: clinical testing. Allele origin: germline. Affected: yes.
Comment: The p.Leu939Trp variant is observed in 18/10.066 (0.1788%) alleles from individuals of gnomAD Ashkenazi Jewish background in gnomAD All. The p.Leu939Trp variant is observed in 4/5.008 (0.0799%) alleles from individuals of 1kG All background in 1kG All. The p.Leu939Trp variant is observed in 135/68.038 (0.1984%) alleles from individuals of gnomAD Genomes v3 Non Finnish European background in gnomAD Genomes v3 All, which is greater than expected for the disorder. (BS1 - Strong) | The p.Leu939Trp variant is not predicted to disrupt the existing donor splice site 19bp upstream by any splice site algorithm. The p.Leu939Trp variant is not predicted to introduce a novel splice site by any splice site algorithm. (BP4 - Supporting)

CHEO Genetics Diagnostic Laboratory, Children's Hospital of Eastern Ontario
Classification: Likely benign for Breast and/or ovarian cancer. Last evaluated: 2023-04-25. Review status: criteria provided, single submitter. Criteria: ACMG Guidelines, 2015. Collection method: clinical testing. Allele origin: germline.

Myriad Genetics, Inc.
Classification: Benign for Familial cancer of breast. Last evaluated: 2023-03-31. Review status: criteria provided, single submitter. Criteria: Myriad Autosomal Dominant, Autosomal Recessive and X-Linked Classification Criteria (2023). Collection method: clinical testing. Allele origin: unknown.
Comment: This variant is considered benign. This variant is strongly associated with less severe personal and family histories of cancer, typical for individuals without pathogenic variants in this gene [PMID: 25085752]. This variant has been observed in trans with a known pathogenic variant in one or more individuals lacking clinical features consistent with gene-specific recessive disease.

Institute for Clinical Genetics, University Hospital TU Dresden, University Hospital TU Dresden
Classification: Likely benign. Last evaluated: 2021-11-03. Review status: criteria provided, single submitter. Criteria: ACMG Guidelines, 2015. Collection method: clinical testing. Allele origin: germline.

Sema4
Classification: Likely benign for Hereditary cancer-predisposing syndrome. Last evaluated: 2021-03-08. Review status: criteria provided, single submitter. Criteria: Sema4 Curation Guidelines. Collection method: curation. Allele origin: germline.

Mendelics
Classification: Likely benign for Familial cancer of breast. Last evaluated: 2019-05-28. Review status: criteria provided, single submitter. Criteria: Mendelics Assertion Criteria 2017. Collection method: clinical testing. Allele origin: unknown.

Institute of Human Genetics, University of Leipzig Medical Center
Classification: Likely benign for Familial cancer of breast. Last evaluated: 2019-01-01. Review status: criteria provided, single submitter. Criteria: ACMG Guidelines, 2015. Collection method: clinical testing. Allele origin: unknown. Affected: yes.

Institute for Biomarker Research, Medical Diagnostic Laboratories, L.L.C.
Classification: Uncertain significance for Hereditary cancer-predisposing syndrome. Last evaluated: 2018-01-16. Review status: criteria provided, single submitter. Criteria: ACMG Guidelines, 2015. Collection method: clinical testing. Allele origin: germline.

GeneDx
Classification: Benign. Last evaluated: 2017-12-28. Review status: criteria provided, single submitter. Criteria: GeneDx Variant Classification (06012015). Collection method: clinical testing. Allele origin: germline. Affected: yes.
Comment: This variant is considered likely benign or benign based on one or more of the following criteria: it is a conservative change, it occurs at a poorly conserved position in the protein, it is predicted to be benign by multiple in silico algorithms, and/or has population frequency not consistent with disease.

Illumina Laboratory Services, Illumina
Classification: Likely benign for Fanconi anemia complementation group N. Last evaluated: 2017-04-27. Review status: criteria provided, single submitter. Criteria: ICSL Variant Classification Criteria 13 December 2019. Collection method: clinical testing. Allele origin: germline.
Comment: This variant was observed as part of a predisposition screen in an ostensibly healthy population. A literature search was performed for the gene, cDNA change, and amino acid change (where applicable). Publications were found based on this search. The evidence from the literature, in combination with allele frequency data from public databases where available, was sufficient to determine this variant is unlikely to cause disease. Therefore, this variant is classified as likely benign.

Genetic Services Laboratory, University of Chicago
Classification: Likely benign. Last evaluated: 2017-01-13. Review status: criteria provided, single submitter. Criteria: ACMG Guidelines, 2015. Collection method: clinical testing. Allele origin: germline. Affected: no.